The following is an entry in ClinVar:

NM_206933.4(USH2A):c.3621C>T (p.Ile1207=)

Genes: USH2A (usherin; minus strand), USH2A-AS1 (USH2A antisense RNA 1; plus strand). Cytogenetic location: 1q41.
Variant type: single nucleotide variant.
Coding change: c.3621C>T on transcript NM_206933.4 (MANE Select); coding-DNA position 3621, C replaced by T.
Protein change: p.Ile1207=; no amino-acid change (isoleucine 1207 retained).
Molecular consequence: synonymous variant.
Genome position (GRCh38, 1-based): chr1:216,199,817, G>A on the plus strand (C>T on the coding strand, the complement: USH2A is on the minus strand). VCF-style: chr1-216199817-G-A. GRCh37 (hg19) VCF-style: chr1-216373159-G-A.
Other names: c.3621C>T, p.Ile1207= (NM_007123.6).
Identifiers: ClinVar variation 48505 (VCV000048505.38), dbSNP rs146462407, ClinGen allele CA143465.
Genomic context (GRCh38, chr1:216,199,817, plus strand): 5'-GCCCCCGCTAGTACACGCCTGTACAGAAAAATCGTACTTGGCAAATGGAACCAGATTCCA[G>A]ATGGTAGCTGAGGTTTCATGACCTTCGTAGGAAACACATGGCTGACCACCAGCCAAAGGG-3'
Protein context (NP_996816.3, residues 1197-1217): SYEGHETSAT[Ile1207=]WNLVPFAKYD

ClinVar aggregate classification (germline): Conflicting classifications of pathogenicity. Review status: criteria provided, conflicting classifications (1 of 4 stars). 9 submissions from 8 submitters: Uncertain significance (2); Benign (2); Likely benign (4). 1 of the submissions does not count toward it. Last evaluated 2026-01-21.

Conditions:
Retinitis pigmentosa (RP). Identifiers: Orphanet 791, MedGen C0035334, MeSH D012174, MONDO:0019200, OMIM 268000. Inheritance: Autosomal dominant, autosomal recessive and X linked inheritance.
Usher syndrome type 2A. Also called: USHER SYNDROME, TYPE IIA; RETINAL DISEASE IN USHER SYNDROME TYPE IIA, MODIFIER OF. Identifiers: Orphanet 231178, Orphanet 886, MedGen C1848634, MONDO:0010169, OMIM 276901.

Allele frequency attached by ClinVar (database versions not stated): TOPMed 0.00206; gnomAD exomes 0.00024 and 0.00057; ExAC 0.00061; 1000 Genomes Project 0.00160; ESP Exome Variant Server 0.00169; 1000 Genomes Project 30x 0.00172; gnomAD 0.00173 and 0.00190.
gnomAD v4.1: 640 of 1,614,184 alleles (0.04%); highest among the groups gnomAD compares: African/African-American, 0.54%; 2 homozygotes.

Submissions (9):

Labcorp Genetics (formerly Invitae), Labcorp
Classification: Benign. Last evaluated: 2026-01-21. Review status: criteria provided, single submitter. Criteria: Invitae Variant Classification Sherloc (09022015). Collection method: clinical testing. Allele origin: germline.

CeGaT Center for Human Genetics Tuebingen
Classification: Likely benign. Last evaluated: 2025-05-01. Review status: criteria provided, single submitter. Criteria: CeGaT Center For Human Genetics Tuebingen Variant Classification Criteria Version 2. Collection method: clinical testing. Allele origin: germline. Affected: yes. Observed: 1 variant allele.
Comment: USH2A: BP4, BP7

Blueprint Genetics
Classification: Likely benign. Last evaluated: 2024-09-23. Review status: criteria provided, single submitter. Criteria: ACMG Guidelines, 2015. Collection method: clinical testing. Allele origin: germline.

GeneDx
Classification: Likely benign. Last evaluated: 2021-02-09. Review status: criteria provided, single submitter. Criteria: GeneDx Variant Classification Process June 2021. Collection method: clinical testing. Allele origin: germline. Affected: yes.

Illumina Laboratory Services, Illumina
Classification: Uncertain significance for Retinitis pigmentosa. Last evaluated: 2018-01-12. Review status: criteria provided, single submitter. Criteria: ICSL Variant Classification Criteria 13 December 2019. Collection method: clinical testing. Allele origin: germline.

Illumina Laboratory Services, Illumina
Classification: Uncertain significance for Usher syndrome type 2A. Last evaluated: 2018-01-12. Review status: criteria provided, single submitter. Criteria: ICSL Variant Classification Criteria 13 December 2019. Collection method: clinical testing. Allele origin: germline.

Eurofins Ntd Llc (ga)
Classification: Benign. Last evaluated: 2016-04-15. Review status: criteria provided, single submitter. Criteria: EGL Classification Definitions 2015. Collection method: clinical testing. Allele origin: germline. Observed: 1 variant allele, 1 heterozygote.

Laboratory for Molecular Medicine, Mass General Brigham Personalized Medicine
Classification: Likely benign. Last evaluated: 2012-04-17. Review status: criteria provided, single submitter. Criteria: LMM Criteria. Collection method: clinical testing. Allele origin: germline. Observed: 2 variant alleles.
Comment: Ile1207Ile in exon 17 of USH2A: This variant is not expected to have clinical si gnificance because it does not alter an amino acid residue, is not located withi n the splice consensus sequence, has been identified in 0.5% (19/3738) of Africa n American chromosomes in a broad population by the NHLBI Exome sequencing proje ct (dbSNP rs146462407).

Natera, Inc.
Classification: Likely benign for Usher syndrome type 2A. Last evaluated: 2020-01-15. Review status: no assertion criteria provided. Collection method: clinical testing. Allele origin: germline. Not counted in ClinVar's aggregate classification.